The following is an entry in ClinVar:

NM_001447.3(FAT2):c.7308T>C (p.Ile2436=)

Genes: SLC36A1 (solute carrier family 36 member 1; plus strand), FAT2 (FAT atypical cadherin 2; minus strand). Cytogenetic location: 5q33.1.
Variant type: single nucleotide variant.
Coding change: c.7308T>C on transcript NM_001447.3 (MANE Select); coding-DNA position 7308, T replaced by C.
Protein change: p.Ile2436=; no amino-acid change (isoleucine 2436 retained).
Molecular consequence: synonymous variant.
Genome position (GRCh38, 1-based): chr5:151,543,819, A>G on the plus strand (T>C on the coding strand, the complement: FAT2 is on the minus strand). VCF-style: chr5-151543819-A-G. GRCh37 (hg19) VCF-style: chr5-150923380-A-G.
Identifiers: ClinVar variation 2038532 (VCV002038532.8), dbSNP rs148045861, ClinGen allele CA3520984.
Genomic context (GRCh38, chr5:151,543,819, plus strand): 5'-AGCACCTACCCTCAAATTGTAAGAAGAGTCCAGGTGCTTTTTGCAAAGGTTGAACATAGA[A>G]ATTATTCCCGATGAGCTGTTAATGAAGAAGTGCCTGTCCTGATTGCCAGAAAGAATCAGG-3'
Protein context (NP_001438.1, residues 2426-2446): HFFINSSSGI[Ile2436=]SMFNLCKKHL

ClinVar aggregate classification (germline): Likely benign. Review status: criteria provided, multiple submitters, no conflicts (2 of 4 stars). 2 submissions from 2 submitters: Likely benign (2). Last evaluated 2026-01-01.

Allele frequency attached by ClinVar (database versions not stated): ExAC 0.00010; gnomAD 0.00015; TOPMed 0.00020; gnomAD exomes 0.00032; ESP Exome Variant Server 0.00046.
gnomAD v4.1: 479 of 1,613,928 alleles (0.03%); highest among the groups gnomAD compares: Non-Finnish European, 0.039%; no homozygotes.

Submissions (2):

CeGaT Center for Human Genetics Tuebingen
Classification: Likely benign. Last evaluated: 2026-01-01. Review status: criteria provided, single submitter. Criteria: CeGaT Center For Human Genetics Tuebingen Variant Classification Criteria Version 2. Collection method: clinical testing. Allele origin: germline. Affected: yes. Observed: 2 variant alleles.
Comment: FAT2: BP4, BP7

Labcorp Genetics (formerly Invitae), Labcorp
Classification: Likely benign. Last evaluated: 2024-04-08. Review status: criteria provided, single submitter. Criteria: Invitae Variant Classification Sherloc (09022015). Collection method: clinical testing. Allele origin: germline.